The following is an entry in ClinVar:

NM_001110556.2(FLNA):c.1242C>T (p.Gly414=)

Gene: FLNA (filamin A; minus strand). Cytogenetic location: Xq28.
Variant type: single nucleotide variant.
Coding change: c.1242C>T on transcript NM_001110556.2 (MANE Select); coding-DNA position 1242, C replaced by T.
Protein change: p.Gly414=; no amino-acid change (glycine 414 retained).
Molecular consequence: synonymous variant.
Genome position (GRCh38, 1-based): chrX:154,366,211, G>A on the plus strand (C>T on the coding strand, the complement: FLNA is on the minus strand). VCF-style: chrX-154366211-G-A. GRCh37 (hg19) VCF-style: chrX-153594579-G-A.
Other names: c.1242C>T (NM_001110556.1); c.1242C>T, p.Gly414= (NM_001456.4).
Identifiers: ClinVar variation 289066 (VCV000289066.49), dbSNP rs782598234, ClinGen allele CA10561221.
Genomic context (GRCh38, chrX:154,366,211, plus strand): 5'-CAGCTGAGGCTCTACCGTGCCCTTCTGTCCCATGGGGTCCTGGATCACAACCTCGACCTC[G>A]CCCGTGCCAGCTCCTGCCACGAGGCACCTGCTCAGCTCCCAGGCCCCAGTGCGGCTCTCC-3'
Protein context (NP_001104026.1, residues 404-424): FEIFTAGAGT[Gly414=]EVEVVIQDPM

ClinVar aggregate classification (germline): Conflicting classifications of pathogenicity. Review status: criteria provided, conflicting classifications (1 of 4 stars). 7 submissions from 7 submitters: Uncertain significance (1); Benign (2); Likely benign (4). Last evaluated 2026-09-02.

Conditions:
Melnick-Needles syndrome (MNS). Also called: Melnick-Needles Syndrome (FLNA-MNS); MELNICK-NEEDLES OSTEODYSPLASTY; OSTEODYSPLASTY OF MELNICK AND NEEDLES. Identifiers: Orphanet 2484, MedGen C0025237, MONDO:0010650, OMIM 309350.
Heterotopia, periventricular, X-linked dominant (PVNH1). Also called: X-linked periventricular heterotopia; PERIVENTRICULAR NODULAR HETEROTOPIA 4; HETEROTOPIA, PERIVENTRICULAR, 1; PERIVENTRICULAR NODULAR HETEROTOPIA 1. Identifiers: Orphanet 2149, Orphanet 82004, MedGen C1848213, MONDO:0010233, OMIM 300049.
Frontometaphyseal dysplasia (FMD1). Identifiers: Orphanet 1826, MedGen C0265293, MONDO:0015942.
Oto-palato-digital syndrome, type II (OPD2). Also called: Otopalatodigital Syndrome Type 2 (FLNA-OPD2); FACIOPALATOOSSEOUS SYNDROME; Otopalatodigital Syndrome, Type II; OPD II SYNDROME. Identifiers: Orphanet 669, Orphanet 90652, MedGen C1844696, MONDO:0010571, OMIM 304120.
FLNA-related disorder.
Familial thoracic aortic aneurysm and aortic dissection (TAAD). Also called: Thoracic aortic aneurysms and dissections. Identifiers: Orphanet 91387, MedGen C4707243, MONDO:0019625.

Allele frequency attached by ClinVar (database versions not stated): gnomAD 0.00003; TOPMed 0.00003; gnomAD exomes 0.00006 and 0.00011; ExAC 0.00014.
gnomAD v4.1: 74 of 1,209,106 alleles (0.0061%); highest among the groups gnomAD compares: South Asian, 0.072%; no homozygotes.

Submissions (7):

PreventionGenetics, part of Exact Sciences
Classification: Likely benign for FLNA-related condition. Last evaluated: 2026-09-02. Review status: criteria provided, single submitter. Criteria: ACMG Guidelines, 2015. Collection method: clinical testing. Allele origin: germline.
Comment: This variant is classified as likely benign based on ACMG/AMP sequence variant interpretation guidelines (Richards et al. 2015 PMID: 25741868, with internal and published modifications).

Labcorp Genetics (formerly Invitae), Labcorp
Classification: Benign for Oto-palato-digital syndrome, type II; Heterotopia, periventricular, X-linked dominant; Frontometaphyseal dysplasia; Melnick-Needles syndrome. Last evaluated: 2025-08-30. Review status: criteria provided, single submitter. Criteria: Invitae Variant Classification Sherloc (09022015). Collection method: clinical testing. Allele origin: germline.

Ambry Genetics
Classification: Benign for Familial thoracic aortic aneurysm and aortic dissection. Last evaluated: 2025-06-16. Review status: criteria provided, single submitter. Criteria: Ambry Variant Classification Scheme 2023. Collection method: clinical testing. Allele origin: germline.

CeGaT Center for Human Genetics Tuebingen
Classification: Likely benign. Last evaluated: 2022-04-01. Review status: criteria provided, single submitter. Criteria: CeGaT Center For Human Genetics Tuebingen Variant Classification Criteria Version 2. Collection method: clinical testing. Allele origin: germline. Affected: yes. Observed: 1 variant allele.
Comment: FLNA: BP4, BP7, BS2

Blueprint Genetics
Classification: Likely benign. Last evaluated: 2021-11-15. Review status: criteria provided, single submitter. Criteria: ACMG Guidelines, 2015. Collection method: clinical testing. Allele origin: germline.

GeneDx
Classification: Likely benign. Last evaluated: 2019-09-18. Review status: criteria provided, single submitter. Criteria: GeneDx Variant Classification Process June 2021. Collection method: clinical testing. Allele origin: germline. Affected: yes.

Eurofins Ntd Llc (ga)
Classification: Uncertain significance. Last evaluated: 2016-07-20. Review status: criteria provided, single submitter. Criteria: EGL Classification Definitions 2015. Collection method: clinical testing. Allele origin: germline. Observed: 1 variant allele, 1 heterozygote.